The following is an entry in ClinVar:

ClinVar aggregate classification (germline): Likely pathogenic (1 of 4 stars; one submission).

Submission:

GeneDx
Classification: Likely pathogenic. Last evaluated: 2026-09-30. Review status: criteria provided, single submitter. Criteria: GeneDx Variant Classification Process June 2021. Collection method: clinical testing. Allele origin: germline.
Comment: This substitution is predicted to be within the extracellular loop between the S5 and S6 transmembrane segments of the first homologous domain; In silico analysis supports that this missense variant has a deleterious effect on protein structure/function; Not observed at significant frequency in large population cohorts (gnomAD); Has not been previously published as pathogenic or benign to our knowledge

NM_001330260.2(SCN8A):c.973G>T (p.Gly325Trp)

Gene: SCN8A (sodium voltage-gated channel alpha subunit 8; plus strand). Cytogenetic location: 12q13.13.
Variant type: single nucleotide variant.
Coding change: c.973G>T on transcript NM_001330260.2 (MANE Select); coding-DNA position 973, G replaced by T.
Protein change: p.Gly325Trp; replaces glycine 325 with tryptophan.
Molecular consequence: missense variant.
Genome position (GRCh38, 1-based): chr12:51,701,188, G>T. VCF-style: chr12-51701188-G-T. GRCh37 (hg19) VCF-style: chr12-52094972-G-T.
Other names: c.973G>T, p.Gly325Trp (NM_001177984.3, NM_001369788.1, NM_014191.4); c.973G>T (NM_001330260.1); short protein forms G325W.
Identifiers: ClinVar variation 3252149 (VCV003252149.3), dbSNP rs2540176767.